The following is an entry in ClinVar:

ClinVar aggregate classification (germline): Uncertain significance (1 of 4 stars; one submission).

Allele frequency attached by ClinVar (database versions not stated): gnomAD exomes below 0.00001; ExAC 0.00001; gnomAD 0.00001; TOPMed 0.00001; ESP Exome Variant Server 0.00008.
gnomAD v4.1: 1 of 1,607,786 alleles (0.000062%); highest among the groups gnomAD compares: African/African-American, 0.0013%; no homozygotes.

Submission:

Labcorp Genetics (formerly Invitae), Labcorp
Classification: Uncertain significance. Last evaluated: 2021-11-15. Review status: criteria provided, single submitter. Criteria: Invitae Variant Classification Sherloc (09022015). Collection method: clinical testing. Allele origin: germline.
Comment: This sequence change replaces glycine, which is neutral and non-polar, with glutamic acid, which is acidic and polar, at codon 78 of the IFT81 protein (p.Gly78Glu). In summary, the available evidence is currently insufficient to determine the role of this variant in disease. Therefore, it has been classified as a Variant of Uncertain Significance. Algorithms developed to predict the effect of missense changes on protein structure and function are either unavailable or do not agree on the potential impact of this missense change (SIFT: "Deleterious"; PolyPhen-2: "Benign"; Align-GVGD: "Class C0"). This variant has not been reported in the literature in individuals affected with IFT81-related conditions. This variant is present in population databases (rs376703024, gnomAD 0.007%).

NM_014055.4(IFT81):c.233G>A (p.Gly78Glu)

Gene: IFT81 (intraflagellar transport 81; plus strand). Cytogenetic location: 12q24.11.
Variant type: single nucleotide variant.
Coding change: c.233G>A on transcript NM_014055.4 (MANE Select); coding-DNA position 233, G replaced by A.
Protein change: p.Gly78Glu; replaces glycine 78 with glutamic acid.
Molecular consequence: missense variant. On other transcripts: 5 prime UTR variant (2), non-coding transcript variant (4).
Genome position (GRCh38, 1-based): chr12:110,128,134, G>A. VCF-style: chr12-110128134-G-A. GRCh37 (hg19) VCF-style: chr12-110565939-G-A.
Other names: c.233G>A, p.Gly78Glu (NM_001143779.2, NM_001347946.2, NM_031473.4); c.-534G>A (NM_001347947.2, NM_001347948.2); short protein forms G78E.
Identifiers: ClinVar variation 1466099 (VCV001466099.6), dbSNP rs376703024, ClinGen allele CA6783024.
Genomic context (GRCh38, chr12:110,128,134, plus strand): 5'-CAGAGCAGACAGCCAAACGAATGTTGAGCCTTCTTGGTATTCTTAAGTACAAACCTTCAG[G>A]AAATGCCACAGATATGTAAGAATCTGATCACGTATTGAGTTTTTAAAATTATGCTTTAAT-3'
Protein context (NP_054774.2, residues 68-88): LLGILKYKPS[Gly78Glu]NATDMSTFRQ